The following is an entry in ClinVar:

ClinVar aggregate classification (germline): Uncertain significance (1 of 4 stars; one submission).

Allele frequency attached by ClinVar (database versions not stated): gnomAD exomes below 0.00001; ExAC 0.00002; TOPMed 0.00002.
gnomAD v4.1: 8 of 1,613,384 alleles (0.0005%); highest among the groups gnomAD compares: East Asian, 0.0022%; no homozygotes.

Submission:

Labcorp Genetics (formerly Invitae), Labcorp
Classification: Uncertain significance. Last evaluated: 2024-10-23. Review status: criteria provided, single submitter. Criteria: Invitae Variant Classification Sherloc (09022015). Collection method: clinical testing. Allele origin: germline.
Comment: This sequence change replaces serine, which is neutral and polar, with leucine, which is neutral and non-polar, at codon 1891 of the VPS13A protein (p.Ser1891Leu). This variant is present in population databases (rs772765093, gnomAD 0.006%). This variant has not been reported in the literature in individuals affected with VPS13A-related conditions. ClinVar contains an entry for this variant (Variation ID: 2155714). Invitae Evidence Modeling of protein sequence and biophysical properties (such as structural, functional, and spatial information, amino acid conservation, physicochemical variation, residue mobility, and thermodynamic stability) indicates that this missense variant is not expected to disrupt VPS13A protein function with a negative predictive value of 80%. In summary, the available evidence is currently insufficient to determine the role of this variant in disease. Therefore, it has been classified as a Variant of Uncertain Significance.

NM_033305.3(VPS13A):c.5672C>T (p.Ser1891Leu)

Gene: VPS13A (vacuolar protein sorting 13 homolog A; plus strand). Cytogenetic location: 9q21.2.
Variant type: single nucleotide variant.
Coding change: c.5672C>T on transcript NM_033305.3 (MANE Select); coding-DNA position 5672, C replaced by T.
Protein change: p.Ser1891Leu; replaces serine 1891 with leucine.
Molecular consequence: missense variant.
Genome position (GRCh38, 1-based): chr9:77,321,588, C>T. VCF-style: chr9-77321588-C-T. GRCh37 (hg19) VCF-style: chr9-79936504-C-T.
Other names: c.5555C>T, p.Ser1852Leu (NM_001018037.2); c.5672C>T, p.Ser1891Leu (NM_001018038.3, NM_015186.4); short protein forms S1891L, S1852L.
Identifiers: ClinVar variation 2155714 (VCV002155714.3), dbSNP rs772765093, ClinGen allele CA5092831.